The following is an entry in ClinVar:

NM_001308093.3(GATA4):c.1025C>T (p.Pro342Leu)

Gene: GATA4 (GATA binding protein 4). Cytogenetic location: 8p23.1.
Variant type: single nucleotide variant.
Coding change: c.1025C>T on transcript NM_001308093.3 (MANE Select); coding-DNA position 1025, C replaced by T.
Protein change: p.Pro342Leu; replaces proline 342 with leucine.
Molecular consequence: missense variant.
Genome position (GRCh38, 1-based): chr8:11,756,959, C>T. VCF-style: chr8-11756959-C-T. GRCh37 (hg19) VCF-style: chr8-11614468-C-T.
Other names: c.404C>T, p.Pro135Leu (NM_001308094.2, NM_001374273.1); c.278C>T, p.Pro93Leu (NM_001374274.1); c.1022C>T, p.Pro341Leu (NM_002052.5); short protein forms P135L, P341L, P342L, P93L.
Identifiers: ClinVar variation 4975590 (VCV004975590.1).

ClinVar aggregate classification (germline): Uncertain significance (1 of 4 stars; one submission).

gnomAD v4.1: 2 of 1,614,260 alleles (0.00012%); highest among the groups gnomAD compares: African/African-American, 0.0013%; no homozygotes.

Submission:

GeneDx
Classification: Uncertain significance. Last evaluated: 2026-01-23. Review status: criteria provided, single submitter. Criteria: GeneDx Variant Classification Process June 2021. Collection method: clinical testing. Allele origin: germline.
Comment: Not observed at significant frequency in large population cohorts (gnomAD); In silico analysis suggests that this missense variant does not alter protein structure/function; Has not been previously published as pathogenic or benign to our knowledge